The following is an entry in ClinVar:

NM_000487.6(ARSA):c.1211-5C>G

Gene: ARSA (arylsulfatase A; minus strand). Cytogenetic location: 22q13.33.
Variant type: single nucleotide variant.
Coding change: c.1211-5C>G on transcript NM_000487.6 (MANE Select); 5 bases into the intron before coding-DNA position 1211, C replaced by G.
Molecular consequence: intron variant.
Genome position (GRCh38, 1-based): chr22:50,625,469, G>C on the plus strand (C>G on the coding strand, the complement: ARSA is on the minus strand). VCF-style: chr22-50625469-G-C. GRCh37 (hg19) VCF-style: chr22-51063897-G-C.
Other names: c.953-5C>G (NM_001362782.2, NM_001085428.3); c.1211-5C>G (NM_001085427.3, NM_001085426.3, NM_001085425.3).
Identifiers: ClinVar variation 1515980 (VCV001515980.7), dbSNP rs778131215, ClinGen allele CA10324769.

ClinVar aggregate classification (germline): Uncertain significance (1 of 4 stars; one submission).

Conditions:
Metachromatic leukodystrophy (MLD). Also called: Cerebral sclerosis diffuse metachromatic form; Arylsulfatase A Deficiency; METACHROMATIC LEUKOENCEPHALOPATHY; SULFATIDE LIPIDOSIS; ARSA DEFICIENCY; CEREBROSIDE SULFATASE DEFICIENCY. Identifiers: Orphanet 512, MedGen C0023522, MONDO:0018868, OMIM 250100.

Allele frequency attached by ClinVar (database versions not stated): gnomAD 0.00001.
gnomAD v4.1: 4 of 1,605,604 alleles (0.00025%); highest among the groups gnomAD compares: African/African-American, 0.0053%; no homozygotes.

Submission:

Labcorp Genetics (formerly Invitae), Labcorp
Classification: Uncertain significance for Metachromatic leukodystrophy. Last evaluated: 2024-10-24. Review status: criteria provided, single submitter. Criteria: Invitae Variant Classification Sherloc (09022015). Collection method: clinical testing. Allele origin: germline.
Comment: This sequence change falls in intron 7 of the ARSA gene. It does not directly change the encoded amino acid sequence of the ARSA protein. This variant is present in population databases (rs778131215, gnomAD 0.007%). This variant has not been reported in the literature in individuals affected with ARSA-related conditions. ClinVar contains an entry for this variant (Variation ID: 1515980). Algorithms developed to predict the effect of sequence changes on RNA splicing suggest that this variant may disrupt the consensus splice site. In summary, the available evidence is currently insufficient to determine the role of this variant in disease. Therefore, it has been classified as a Variant of Uncertain Significance.